The following is an entry in ClinVar:

ClinVar aggregate classification (germline): Conflicting classifications of pathogenicity. Review status: criteria provided, conflicting classifications (1 of 4 stars). 3 submissions from 3 submitters: Uncertain significance (2); Likely benign (1). Last evaluated 2025-01-07.

Conditions:
Sessile serrated polyposis cancer syndrome (SSPCS). Identifiers: Orphanet 157798, MedGen C4310714, MONDO:0014919, OMIM 617108.

Allele frequency attached by ClinVar (database versions not stated): gnomAD exomes below 0.00001; TOPMed 0.00001; gnomAD 0.00002 and 0.00004.
gnomAD v4.1: 9 of 1,613,934 alleles (0.00056%); highest among the groups gnomAD compares: East Asian, 0.0022%; no homozygotes.

Submissions (3):

Ambry Genetics
Classification: Likely benign. Last evaluated: 2025-01-07. Review status: criteria provided, single submitter. Criteria: Ambry Variant Classification Scheme 2023. Collection method: clinical testing. Allele origin: germline.

Baylor Genetics
Classification: Uncertain significance for Sessile serrated polyposis cancer syndrome. Last evaluated: 2023-11-07. Review status: criteria provided, single submitter. Criteria: ACMG Guidelines, 2015. Collection method: clinical testing. Allele origin: unknown.

Labcorp Genetics (formerly Invitae), Labcorp
Classification: Uncertain significance. Last evaluated: 2021-05-16. Review status: criteria provided, single submitter. Criteria: Invitae Variant Classification Sherloc (09022015). Collection method: clinical testing. Allele origin: germline.
Comment: This variant has not been reported in the literature in individuals with RNF43-related conditions. This variant is not present in population databases (ExAC no frequency). This sequence change replaces arginine with glutamine at codon 650 of the RNF43 protein (p.Arg650Gln). The arginine residue is moderately conserved and there is a small physicochemical difference between arginine and glutamine. In summary, the available evidence is currently insufficient to determine the role of this variant in disease. Therefore, it has been classified as a Variant of Uncertain Significance. Algorithms developed to predict the effect of missense changes on protein structure and function are either unavailable or do not agree on the potential impact of this missense change (SIFT: "Deleterious"; PolyPhen-2: "Possibly Damaging"; Align-GVGD: "Class C0").

NM_017763.6(RNF43):c.1949G>A (p.Arg650Gln)

Gene: RNF43 (ring finger protein 43; minus strand). Cytogenetic location: 17q22.
Variant type: single nucleotide variant.
Coding change: c.1949G>A on transcript NM_017763.6 (MANE Select); coding-DNA position 1949, G replaced by A.
Protein change: p.Arg650Gln; replaces arginine 650 with glutamine.
Molecular consequence: missense variant.
Genome position (GRCh38, 1-based): chr17:58,357,827, C>T on the plus strand (G>A on the coding strand, the complement: RNF43 is on the minus strand). VCF-style: chr17-58357827-C-T. GRCh37 (hg19) VCF-style: chr17-56435188-C-T.
Other names: c.1949G>A, p.Arg650Gln (NM_001305544.3); c.1568G>A, p.Arg523Gln (NM_001305545.2); c.1949G>A (NM_017763.4); short protein forms R523Q, R650Q.
Identifiers: ClinVar variation 1414978 (VCV001414978.11), dbSNP rs1348340748, ClinGen allele CA400386821.